The following is an entry in ClinVar:

NM_016203.4(PRKAG2):c.493A>G (p.Thr165Ala)

Gene: PRKAG2 (protein kinase AMP-activated non-catalytic subunit gamma 2; minus strand). Cytogenetic location: 7q36.1.
Variant type: single nucleotide variant.
Coding change: c.493A>G on transcript NM_016203.4 (MANE Select); coding-DNA position 493, A replaced by G.
Protein change: p.Thr165Ala; replaces threonine 165 with alanine.
Molecular consequence: missense variant. On other transcripts: intron variant (5).
Genome position (GRCh38, 1-based): chr7:151,675,611, T>C on the plus strand (A>G on the coding strand, the complement: PRKAG2 is on the minus strand). VCF-style: chr7-151675611-T-C. GRCh37 (hg19) VCF-style: chr7-151372697-T-C.
Other names: c.361A>G, p.Thr121Ala (NM_001040633.2, NM_001407024.1, NM_001407026.1 and 1 more transcripts); c.121A>G, p.Thr41Ala (NM_001304527.2, NM_001363698.2, NM_001407028.1 and 1 more transcripts); c.493A>G, p.Thr165Ala (NM_001407021.1, NM_001407022.1, NM_001407023.1); c.175A>G, p.Thr59Ala (NM_001407032.1); c.467-80160A>G (NM_001407031.1); c.467-80157A>G (NM_001407030.1); c.361-43473A>G (NM_001407033.1); c.94+60289A>G (NM_001407037.1); and 1 more; short protein forms T121A, T41A, T59A, T165A.
Identifiers: ClinVar variation 3309945 (VCV003309945.1).

ClinVar aggregate classification (germline): Uncertain significance (1 of 4 stars; one submission).

Conditions:
Cardiovascular phenotype. Identifiers: MedGen CN230736.

gnomAD v4.1: 4 of 1,613,900 alleles (0.00025%); highest among the groups gnomAD compares: South Asian, 0.0033%; no homozygotes.

Submission:

Ambry Genetics
Classification: Uncertain significance for Cardiovascular phenotype. Last evaluated: 2024-06-09. Review status: criteria provided, single submitter. Criteria: Ambry Variant Classification Scheme 2023. Collection method: clinical testing. Allele origin: germline.
Comment: The p.T165A variant (also known as c.493A>G), located in coding exon 4 of the PRKAG2 gene, results from an A to G substitution at nucleotide position 493. The threonine at codon 165 is replaced by alanine, an amino acid with similar properties. This amino acid position is conserved. In addition, the in silico prediction for this alteration is inconclusive. Based on the available evidence, the clinical significance of this variant remains unclear.